The following is an entry in ClinVar:

NM_004304.5(ALK):c.4625C>G (p.Pro1542Arg)

Gene: ALK (ALK receptor tyrosine kinase; minus strand). Cytogenetic location: 2p23.2.
Variant type: single nucleotide variant.
Coding change: c.4625C>G on transcript NM_004304.5 (MANE Select); coding-DNA position 4625, C replaced by G.
Protein change: p.Pro1542Arg; replaces proline 1542 with arginine.
Molecular consequence: missense variant.
Genome position (GRCh38, 1-based): chr2:29,193,462, G>C on the plus strand (C>G on the coding strand, the complement: ALK is on the minus strand). VCF-style: chr2-29193462-G-C. GRCh37 (hg19) VCF-style: chr2-29416328-G-C.
Other names: c.1421C>G, p.Pro474Arg (NM_001353765.2); c.4625C>G (NM_004304.4); short protein forms P1542R, P474R.
Identifiers: ClinVar variation 1511592 (VCV001511592.7), dbSNP rs878854659, ClinGen allele CA346460571.

ClinVar aggregate classification (germline): Uncertain significance. Review status: criteria provided, multiple submitters, no conflicts (2 of 4 stars). 2 submissions from 2 submitters: Uncertain significance (2). Last evaluated 2025-09-19.

Conditions:
Hereditary cancer-predisposing syndrome. Also called: Neoplastic Syndromes, Hereditary; Hereditary Cancer Syndrome; Tumor predisposition; Hereditary neoplastic syndrome. Identifiers: Orphanet 140162, MedGen C0027672, MeSH D009386, MONDO:0015356.
Neuroblastoma, susceptibility to, 3. Also called: ALK-Related Neuroblastic Tumor Susceptibility. Identifiers: Orphanet 635, MedGen C2751681, MONDO:0013083, OMIM 613014.

Submissions (2):

Ambry Genetics
Classification: Uncertain significance for Hereditary cancer-predisposing syndrome. Last evaluated: 2025-09-19. Review status: criteria provided, single submitter. Criteria: Ambry Variant Classification Scheme 2023. Collection method: clinical testing. Allele origin: germline.
Comment: The p.P1542R variant (also known as c.4625C>G), located in coding exon 29 of the ALK gene, results from a C to G substitution at nucleotide position 4625. The proline at codon 1542 is replaced by arginine, an amino acid with dissimilar properties. This amino acid position is conserved. In addition, this alteration is predicted to be tolerated by in silico analysis. Based on the available evidence, the clinical significance of this variant remains unclear.

Labcorp Genetics (formerly Invitae), Labcorp
Classification: Uncertain significance for Neuroblastoma, susceptibility to, 3. Last evaluated: 2021-08-09. Review status: criteria provided, single submitter. Criteria: Invitae Variant Classification Sherloc (09022015). Collection method: clinical testing. Allele origin: germline.
Comment: This sequence change replaces proline with arginine at codon 1542 of the ALK protein (p.Pro1542Arg). The proline residue is highly conserved and there is a moderate physicochemical difference between proline and arginine. This variant is not present in population databases (ExAC no frequency). This variant has not been reported in the literature in individuals affected with ALK-related conditions. Algorithms developed to predict the effect of missense changes on protein structure and function (SIFT, PolyPhen-2, Align-GVGD) all suggest that this variant is likely to be disruptive. In summary, the available evidence is currently insufficient to determine the role of this variant in disease. Therefore, it has been classified as a Variant of Uncertain Significance.